The following is an entry in ClinVar:

NM_002241.5(KCNJ10):c.278A>G (p.His93Arg)

Gene: KCNJ10 (potassium inwardly rectifying channel subfamily J member 10; minus strand). Cytogenetic location: 1q23.2.
Variant type: single nucleotide variant.
Coding change: c.278A>G on transcript NM_002241.5 (MANE Select); coding-DNA position 278, A replaced by G.
Protein change: p.His93Arg; replaces histidine 93 with arginine.
Molecular consequence: missense variant.
Genome position (GRCh38, 1-based): chr1:160,042,255, T>C on the plus strand (A>G on the coding strand, the complement: KCNJ10 is on the minus strand). VCF-style: chr1-160042255-T-C. GRCh37 (hg19) VCF-style: chr1-160012045-T-C.
Other names: short protein forms H93R.
Identifiers: ClinVar variation 1028010 (VCV001028010.8), dbSNP rs1377862008, ClinGen allele CA343229007.
Genomic context (GRCh38, chr1:160,042,255, plus strand): 5'-TGCACCTGTACCACACAGGGGGTGTGGTTGGCCGGGGGGTCCAGCTCCAGCAGGTCCCCA[T>C]GTGCCACAGCTACCAGATACCACACCACGCCAAAGAGGAACCATGTGCCTGCAAAGGTCG-3'
Protein context (NP_002232.2, residues 83-103): GVVWYLVAVA[His93Arg]GDLLELDPPA

ClinVar aggregate classification (germline): Uncertain significance. Review status: criteria provided, multiple submitters, no conflicts (2 of 4 stars). 3 submissions from 3 submitters: Uncertain significance (3). Last evaluated 2023-11-09.

Conditions:
EAST syndrome (SESAMES). Also called: SEIZURES, SENSORINEURAL DEAFNESS, ATAXIA, IMPAIRED INTELLECTUAL DEVELOPMENT, AND ELECTROLYTE IMBALANCE. Identifiers: Orphanet 199343, MedGen C2748572, MONDO:0013005, OMIM 612780.

Allele frequency attached by ClinVar (database versions not stated): gnomAD exomes below 0.00001.
gnomAD v4.1: 1 of 1,614,094 alleles (0.000062%); highest among the groups gnomAD compares: Admixed American, 0.0017%; no homozygotes.

Submissions (3):

GeneDx
Classification: Uncertain significance. Last evaluated: 2023-11-09. Review status: criteria provided, single submitter. Criteria: GeneDx Variant Classification Process June 2021. Collection method: clinical testing. Allele origin: germline. Affected: yes.
Comment: Not observed at significant frequency in large population cohorts (gnomAD); In silico analysis supports that this missense variant has a deleterious effect on protein structure/function; Has not been previously published as pathogenic or benign to our knowledge

Labcorp Genetics (formerly Invitae), Labcorp
Classification: Uncertain significance for EAST syndrome. Last evaluated: 2022-08-10. Review status: criteria provided, single submitter. Criteria: Invitae Variant Classification Sherloc (09022015). Collection method: clinical testing. Allele origin: germline.
Comment: This variant has not been reported in the literature in individuals affected with KCNJ10-related conditions. ClinVar contains an entry for this variant (Variation ID: 1028010). Algorithms developed to predict the effect of missense changes on protein structure and function (SIFT, PolyPhen-2, Align-GVGD) all suggest that this variant is likely to be disruptive. In summary, the available evidence is currently insufficient to determine the role of this variant in disease. Therefore, it has been classified as a Variant of Uncertain Significance. The frequency data for this variant in the population databases is considered unreliable, as metrics indicate poor data quality at this position in the gnomAD database. This sequence change replaces histidine, which is basic and polar, with arginine, which is basic and polar, at codon 93 of the KCNJ10 protein (p.His93Arg).

Baylor Genetics
Classification: Uncertain significance for EAST syndrome. Last evaluated: 2020-07-31. Review status: criteria provided, single submitter. Criteria: ACMG Guidelines, 2015. Collection method: clinical testing. Allele origin: unknown. Affected: yes.
Comment: This variant was determined to be of uncertain significance according to ACMG Guidelines, 2015 [PMID:25741868].